The following is an entry in ClinVar:

NM_002439.5(MSH3):c.1680G>T (p.Leu560Phe)

Gene: MSH3 (mutS homolog 3; plus strand). Cytogenetic location: 5q14.1.
Variant type: single nucleotide variant.
Coding change: c.1680G>T on transcript NM_002439.5 (MANE Select); coding-DNA position 1680, G replaced by T.
Protein change: p.Leu560Phe; replaces leucine 560 with phenylalanine.
Molecular consequence: missense variant.
Genome position (GRCh38, 1-based): chr5:80,744,532, G>T. VCF-style: chr5-80744532-G-T. GRCh37 (hg19) VCF-style: chr5-80040351-G-T.
Other names: c.1680G>T (NM_002439.3); short protein forms L560F.
Identifiers: ClinVar variation 1047111 (VCV001047111.10), dbSNP rs542448674, ClinGen allele CA360274676.

ClinVar aggregate classification (germline): Uncertain significance. Review status: criteria provided, multiple submitters, no conflicts (2 of 4 stars). 3 submissions from 3 submitters: Uncertain significance (3). Last evaluated 2025-02-02.

Conditions:
Hereditary cancer-predisposing syndrome. Also called: Hereditary Cancer Syndrome; Tumor predisposition; Hereditary neoplastic syndrome; Neoplastic Syndromes, Hereditary. Identifiers: Orphanet 140162, MedGen C0027672, MeSH D009386, MONDO:0015356.
Endometrial carcinoma. Also called: Endometrial carcinoma, somatic. Identifiers: MedGen C0476089, MONDO:0002447, OMIM 608089, HP:0012114.

Allele frequency attached by ClinVar (database versions not stated): TOPMed 0.00001.

Submissions (3):

Ambry Genetics
Classification: Uncertain significance for Hereditary cancer-predisposing syndrome. Last evaluated: 2025-02-02. Review status: criteria provided, single submitter. Criteria: Ambry Variant Classification Scheme 2023. Collection method: clinical testing. Allele origin: germline.
Comment: The p.L560F variant (also known as c.1680G>T), located in coding exon 12 of the MSH3 gene, results from a G to T substitution at nucleotide position 1680. The leucine at codon 560 is replaced by phenylalanine, an amino acid with highly similar properties. This amino acid position is conserved. In addition, this alteration is predicted to be deleterious by in silico analysis. Based on the available evidence, the clinical significance of this variant remains unclear.

Baylor Genetics
Classification: Uncertain significance for Endometrial carcinoma. Last evaluated: 2023-08-23. Review status: criteria provided, single submitter. Criteria: ACMG Guidelines, 2015. Collection method: clinical testing. Allele origin: unknown.

Labcorp Genetics (formerly Invitae), Labcorp
Classification: Uncertain significance. Last evaluated: 2023-07-14. Review status: criteria provided, single submitter. Criteria: Invitae Variant Classification Sherloc (09022015). Collection method: clinical testing. Allele origin: germline.
Comment: In summary, the available evidence is currently insufficient to determine the role of this variant in disease. Therefore, it has been classified as a Variant of Uncertain Significance. An algorithm developed to predict the effect of missense changes on protein structure and function (PolyPhen-2) suggests that this variant is likely to be disruptive. ClinVar contains an entry for this variant (Variation ID: 1047111). This variant has not been reported in the literature in individuals affected with MSH3-related conditions. This variant is not present in population databases (gnomAD no frequency). This sequence change replaces leucine, which is neutral and non-polar, with phenylalanine, which is neutral and non-polar, at codon 560 of the MSH3 protein (p.Leu560Phe).